The following is an entry in ClinVar:

ClinVar aggregate classification (germline): Uncertain significance (1 of 4 stars; one submission).

Submission:

GeneDx
Classification: Uncertain significance. Last evaluated: 2024-02-28. Review status: criteria provided, single submitter. Criteria: GeneDx Variant Classification Process June 2021. Collection method: clinical testing. Allele origin: germline. Affected: yes.
Comment: Not observed at significant frequency in large population cohorts (gnomAD); In silico analysis supports that this missense variant has a deleterious effect on protein structure/function; Has not been previously published in the germline as pathogenic or benign to our knowledge; This variant is associated with the following publications: (PMID: 25450649, 35008511)

NM_001349798.2(FBXW7):c.1558G>A (p.Asp520Asn)

Gene: FBXW7 (F-box and WD repeat domain containing 7; minus strand). Cytogenetic location: 4q31.3.
Variant type: single nucleotide variant.
Coding change: c.1558G>A on transcript NM_001349798.2 (MANE Select); coding-DNA position 1558, G replaced by A.
Protein change: p.Asp520Asn; replaces aspartic acid 520 with asparagine.
Molecular consequence: missense variant.
Genome position (GRCh38, 1-based): chr4:152,326,092, C>T on the plus strand (G>A on the coding strand, the complement: FBXW7 is on the minus strand). VCF-style: chr4-152326092-C-T. GRCh37 (hg19) VCF-style: chr4-153247244-C-T.
Other names: c.1204G>A, p.Asp402Asn (NM_001013415.2); c.1318G>A, p.Asp440Asn (NM_018315.5); c.1558G>A, p.Asp520Asn (NM_033632.3); short protein forms D402N, D440N, D520N.
Identifiers: ClinVar variation 3369928 (VCV003369928.1).